The following is an entry in ClinVar:

ClinVar aggregate classification (germline): Likely benign (1 of 4 stars; one submission).

Allele frequency attached by ClinVar (database versions not stated): gnomAD 0.00001; TOPMed 0.00002.
gnomAD v4.1: 21 of 1,568,146 alleles (0.0013%); highest among the groups gnomAD compares: African/African-American, 0.0027%; no homozygotes.

Submission:

CeGaT Center for Human Genetics Tuebingen
Classification: Likely benign. Last evaluated: 2023-06-01. Review status: criteria provided, single submitter. Criteria: CeGaT Center For Human Genetics Tuebingen Variant Classification Criteria Version 2. Collection method: clinical testing. Allele origin: germline. Affected: yes. Observed: 1 variant allele.
Comment: TET3: BP4, BP7

NM_001287491.2(TET3):c.3597G>A (p.Ser1199=)

Gene: TET3 (tet methylcytosine dioxygenase 3; plus strand). Cytogenetic location: 2p13.1.
Variant type: single nucleotide variant.
Coding change: c.3597G>A on transcript NM_001287491.2 (MANE Select); coding-DNA position 3597, G replaced by A.
Protein change: p.Ser1199=; no amino-acid change (serine 1199 retained).
Molecular consequence: synonymous variant.
Genome position (GRCh38, 1-based): chr2:74,099,605, G>A. VCF-style: chr2-74099605-G-A. GRCh37 (hg19) VCF-style: chr2-74326732-G-A.
Other names: c.3318G>A, p.Ser1106= (NM_001366022.1); c.3192G>A, p.Ser1064= (NM_144993.1).
Identifiers: ClinVar variation 2651048 (VCV002651048.24), dbSNP rs986389868, ClinGen allele CA50459792.